The following is an entry in ClinVar:

ClinVar aggregate classification (germline): Pathogenic/Likely pathogenic. Review status: criteria provided, multiple submitters, no conflicts (2 of 4 stars). 4 submissions from 4 submitters: Pathogenic (3); Likely pathogenic (1). Last evaluated 2024-12-03.

Conditions:
Neurofibromatosis, type 1 (NF1). Also called: Peripheral type neurofibromatosis; Neurofibromatosis, type I; VON RECKLINGHAUSEN DISEASE; NEUROFIBROMATOSIS, TYPE I, SOMATIC. Identifiers: Orphanet 636, MedGen C0027831, MONDO:0018975, OMIM 162200. Disease mechanism: loss of function.

Allele frequency attached by ClinVar (database versions not stated): gnomAD 0.00001.
gnomAD v4.1: 1 of 1,611,154 alleles (0.000062%); highest among the groups gnomAD compares: Non-Finnish European, 0.000085%; no homozygotes.

Submissions (4):

GeneDx
Classification: Pathogenic. Last evaluated: 2024-12-03. Review status: criteria provided, single submitter. Criteria: GeneDx Variant Classification Process June 2021. Collection method: clinical testing. Allele origin: germline. Affected: yes.
Comment: Alters the last nucleotide of the exon and has been demonstrated to result in aberrant splicing leading to a predicted null allele in a gene for which loss of function is a known mechanism of disease (PMID: 17311297, 27322474); Not observed at significant frequency in large population cohorts (gnomAD); This variant is associated with the following publications: (PMID: 17311297, 27322474)

Labcorp Genetics (formerly Invitae), Labcorp
Classification: Pathogenic for Neurofibromatosis, type 1. Last evaluated: 2024-02-13. Review status: criteria provided, single submitter. Criteria: Invitae Variant Classification Sherloc (09022015). Collection method: clinical testing. Allele origin: germline.
Comment: This sequence change affects codon 1981 of the NF1 mRNA. It is a 'silent' change, meaning that it does not change the encoded amino acid sequence of the NF1 protein. RNA analysis indicates that this variant induces altered splicing and may result in an absent or disrupted protein product. This variant is not present in population databases (gnomAD no frequency). This variant has been observed in individual(s) with neurofibromatosis (PMID: 27322474). ClinVar contains an entry for this variant (Variation ID: 1298697). Variants that disrupt the consensus splice site are a relatively common cause of aberrant splicing (PMID: 17576681, 9536098). Studies have shown that this variant results in ctivation of a cryptic splice site and introduces a premature termination codon (PMID: 27322474; Invitae). The resulting mRNA is expected to undergo nonsense-mediated decay. This variant disrupts the c.5943G nucleotide in the NF1 gene. Other variant(s) that disrupt this nucleotide have been determined to be pathogenic (PMID: 31766501). This suggests that this nucleotide is clinically significant, and that variants that disrupt this position are likely to be disease-causing. For these reasons, this variant has been classified as Pathogenic.

Genome-Nilou Lab
Classification: Pathogenic for Neurofibromatosis, type 1. Last evaluated: 2022-03-15. Review status: criteria provided, single submitter. Criteria: ACMG Guidelines, 2015. Collection method: clinical testing. Allele origin: germline. Affected: no.

CeGaT Center for Human Genetics Tuebingen
Classification: Likely pathogenic. Last evaluated: 2021-09-01. Review status: criteria provided, single submitter. Criteria: CeGaT Center For Human Genetics Tuebingen Variant Classification Criteria Version 2. Collection method: clinical testing. Allele origin: germline. Affected: yes. Observed: 1 variant allele.

Literature cited by the submitters: PubMed 27322474 (cited by Labcorp Genetics (formerly Invitae), Labcorp); PubMed 17576681 (cited by Labcorp Genetics (formerly Invitae), Labcorp); PubMed 9536098 (cited by Labcorp Genetics (formerly Invitae), Labcorp); PubMed 31766501 (cited by Labcorp Genetics (formerly Invitae), Labcorp).

NM_001042492.3(NF1):c.6006G>A (p.Gln2002=)

Gene: NF1 (neurofibromin 1; plus strand). Cytogenetic location: 17q11.2.
Variant type: single nucleotide variant.
Coding change: c.6006G>A on transcript NM_001042492.3 (MANE Select); coding-DNA position 6006, G replaced by A.
Protein change: p.Gln2002=; no amino-acid change (glutamine 2002 retained).
Molecular consequence: synonymous variant.
Genome position (GRCh38, 1-based): chr17:31,335,031, G>A. VCF-style: chr17-31335031-G-A. GRCh37 (hg19) VCF-style: chr17-29662049-G-A.
Other names: c.5943G>A, p.Gln1981= (NM_000267.4).
Identifiers: ClinVar variation 1298697 (VCV001298697.42), dbSNP rs1555534432, ClinGen allele CA499233824.